The following is an entry in ClinVar:

ClinVar aggregate classification (germline): Uncertain significance. Review status: criteria provided, multiple submitters, no conflicts (2 of 4 stars). 2 submissions from 2 submitters: Uncertain significance (2). Last evaluated 2022-08-02.

Conditions:
RYR1-related disorder. Also called: RYR1-related disorders; RYR1-related condition. Identifiers: MedGen CN239331.
Inborn genetic diseases. Identifiers: MedGen C0950123, MeSH D030342.

Allele frequency attached by ClinVar (database versions not stated): gnomAD exomes below 0.00001.
gnomAD v4.1: 2 of 1,608,640 alleles (0.00012%); highest among the groups gnomAD compares: African/African-American, 0.0013%; no homozygotes.

Submissions (2):

Ambry Genetics
Classification: Uncertain significance for Inborn genetic diseases. Last evaluated: 2022-08-02. Review status: criteria provided, single submitter. Criteria: Ambry Variant Classification Scheme 2023. Collection method: clinical testing. Allele origin: germline.

Labcorp Genetics (formerly Invitae), Labcorp
Classification: Uncertain significance for RYR1-related disorder. Last evaluated: 2022-06-04. Review status: criteria provided, single submitter. Criteria: Invitae Variant Classification Sherloc (09022015). Collection method: clinical testing. Allele origin: germline.
Comment: This sequence change replaces lysine, which is basic and polar, with threonine, which is neutral and polar, at codon 1903 of the RYR1 protein (p.Lys1903Thr). This variant is not present in population databases (gnomAD no frequency). This variant has not been reported in the literature in individuals affected with RYR1-related conditions. ClinVar contains an entry for this variant (Variation ID: 649867). Advanced modeling of protein sequence and biophysical properties (such as structural, functional, and spatial information, amino acid conservation, physicochemical variation, residue mobility, and thermodynamic stability) performed at Invitae indicates that this missense variant is not expected to disrupt RYR1 protein function. In summary, the available evidence is currently insufficient to determine the role of this variant in disease. Therefore, it has been classified as a Variant of Uncertain Significance.

NM_000540.3(RYR1):c.5708A>C (p.Lys1903Thr)

Gene: RYR1 (ryanodine receptor 1; plus strand). Cytogenetic location: 19q13.2.
Variant type: single nucleotide variant.
Coding change: c.5708A>C on transcript NM_000540.3 (MANE Select); coding-DNA position 5708, A replaced by C.
Protein change: p.Lys1903Thr; replaces lysine 1903 with threonine.
Molecular consequence: missense variant.
Genome position (GRCh38, 1-based): chr19:38,489,337, A>C. VCF-style: chr19-38489337-A-C. GRCh37 (hg19) VCF-style: chr19-38979977-A-C.
Other names: c.5708A>C, p.Lys1903Thr (NM_001042723.2); short protein forms K1903T.
Identifiers: ClinVar variation 649867 (VCV000649867.6), dbSNP rs1600784403, ClinGen allele CA081862.